The following is an entry in ClinVar:

ClinVar aggregate classification (germline): Pathogenic (1 of 4 stars; one submission).

Submission:

Labcorp Genetics (formerly Invitae), Labcorp
Classification: Pathogenic. Last evaluated: 2024-08-17. Review status: criteria provided, single submitter. Criteria: Invitae Variant Classification Sherloc (09022015). Collection method: clinical testing. Allele origin: germline.
Comment: This sequence change creates a premature translational stop signal (p.Gln229Hisfs*28) in the ARSG gene. It is expected to result in an absent or disrupted protein product. Loss-of-function variants in ARSG are known to be pathogenic (PMID: 26975023, 34223797). This variant is not present in population databases (gnomAD no frequency). This variant has not been reported in the literature in individuals affected with ARSG-related conditions. For these reasons, this variant has been classified as Pathogenic.

Literature cited by the submitters: PubMed 26975023; PubMed 34223797.

NM_001267727.2(ARSG):c.687del (p.Gln229fs)

Genes: ARSG (arylsulfatase G; plus strand), LOC130061524 (ATAC-STARR-seq lymphoblastoid active region 12647; plus strand). Cytogenetic location: 17q24.2.
Variant type: Deletion.
Coding change: c.687del on transcript NM_001267727.2 (MANE Select); coding-DNA position 687, one base deleted (G; older notation c.687delG).
Protein change: p.Gln229fs; shifts the reading frame from glutamine 229.
Molecular consequence: frameshift variant.
Genome position (GRCh38, 1-based): chr17:68,356,787, G deleted. VCF-style (leftmost placement, unchanged base first): chr17-68356786-AG-A. GRCh37 (hg19) VCF-style: chr17-66352927-AG-A.
Other names: c.687del, p.Gln229fs (NM_001352902.2, NM_001352903.2, NM_001352904.2 and 8 more transcripts); c.639del, p.Gln213fs (NM_001352909.2); short protein forms Q213fs, Q229fs.
Identifiers: ClinVar variation 3662714 (VCV003662714.2).